The following is an entry in ClinVar:

NM_000059.4(BRCA2):c.107C>T (p.Ser36Phe)

Gene: BRCA2 (BRCA2 DNA repair associated; plus strand). Cytogenetic location: 13q13.1.
Variant type: single nucleotide variant.
Coding change: c.107C>T on transcript NM_000059.4 (MANE Select); coding-DNA position 107, C replaced by T.
Protein change: p.Ser36Phe; replaces serine 36 with phenylalanine.
Molecular consequence: missense variant.
Genome position (GRCh38, 1-based): chr13:32,319,116, C>T. VCF-style: chr13-32319116-C-T. GRCh37 (hg19) VCF-style: chr13-32893253-C-T.
Other names: p.S36F:TCT>TTT; short protein forms S36F.
Identifiers: ClinVar variation 182238 (VCV000182238.28), dbSNP rs730881554, ClinGen allele CA010765.

ClinVar aggregate classification (germline): Conflicting classifications of pathogenicity. Review status: criteria provided, conflicting classifications (1 of 4 stars). 8 submissions from 8 submitters: Uncertain significance (7); Likely benign (1). Last evaluated 2025-11-19.

Conditions:
Hereditary cancer-predisposing syndrome. Also called: Tumor predisposition; Hereditary Cancer Syndrome; Hereditary neoplastic syndrome; Neoplastic Syndromes, Hereditary. Identifiers: Orphanet 140162, MedGen C0027672, MeSH D009386, MONDO:0015356.
Hereditary breast ovarian cancer syndrome. Also called: Breast and ovarian cancer; Hereditary breast and ovarian cancer syndrome; Hereditary breast and ovarian cancer; BRCA1- and BRCA2-Associated Hereditary Breast and Ovarian Cancer; Hereditary breast and ovarian cancer syndrome (HBOC); Hereditary breast and/or ovarian cancer syndrome. Identifiers: Orphanet 145, MedGen C0677776, MeSH D061325, MONDO:0003582. Disease mechanism: loss of function.
Breast-ovarian cancer, familial, susceptibility to, 2 (BROVCA2). Also called: BRCA2 Hereditary Breast and Ovarian Cancer. Identifiers: Orphanet 145, MedGen C2675520, MONDO:0012933, OMIM 612555. Disease mechanism: loss of function.
Familial cancer of breast. Also called: BREAST CANCER, FAMILIAL; hereditary breast carcinoma; Hereditary breast cancer. Identifiers: Orphanet 227535, MedGen C0346153, MONDO:0016419, OMIM 114480. Disease mechanism: loss of function.

Allele frequency attached by ClinVar (database versions not stated): gnomAD exomes below 0.00001 and 0.00001; TOPMed below 0.00001; ExAC 0.00002.
gnomAD v4.1: 2 of 1,613,112 alleles (0.00012%); highest among the groups gnomAD compares: Non-Finnish European, 0.000085%; no homozygotes.

Submissions (8):

Labcorp Genetics (formerly Invitae), Labcorp
Classification: Uncertain significance for Hereditary breast ovarian cancer syndrome. Last evaluated: 2025-11-19. Review status: criteria provided, single submitter. Criteria: Invitae Variant Classification Sherloc (09022015). Collection method: clinical testing. Allele origin: germline.
Comment: This sequence change replaces serine, which is neutral and polar, with phenylalanine, which is neutral and non-polar, at codon 36 of the BRCA2 protein (p.Ser36Phe). This variant is present in population databases (rs730881554, gnomAD 0.007%). This missense change has been observed in individual(s) with renal papillary cell carcinoma (PMID: 29625052). ClinVar contains an entry for this variant (Variation ID: 182238). Invitae Evidence Modeling of protein sequence and biophysical properties (such as structural, functional, and spatial information, amino acid conservation, physicochemical variation, residue mobility, and thermodynamic stability) indicates that this missense variant is not expected to disrupt BRCA2 protein function with a negative predictive value of 95%. Studies have shown that this missense change is associated with inconclusive levels of altered splicing (PMID: 32641407; internal data). In summary, the available evidence is currently insufficient to determine the role of this variant in disease. Therefore, it has been classified as a Variant of Uncertain Significance.

Quest Diagnostics Nichols Institute San Juan Capistrano
Classification: Uncertain significance. Last evaluated: 2025-07-18. Review status: criteria provided, single submitter. Criteria: Quest Diagnostics criteria. Collection method: clinical testing. Allele origin: unknown.
Comment: The BRCA2 c.107C>T (p.Ser36Phe) variant has been reported in the published literature in individuals with colorectal cancer (PMID: 33020649 (2020)), renal cancer (PMID: 29625052 (2018)), and reportedly unaffected individual (PMID: 30287823 (2018)). A functional study demonstrated that this variant had an inconclusive effect on protein function, with partial effect on splicing (PMID:32641407 (2020)). The frequency of this variant in the general population (Genome Aggregation Database) is uninformative in the assessment of its pathogenicity. Analysis of this variant using bioinformatics tools for the prediction of the effect of amino acid changes on protein structure and function yielded conflicting predictions that this variant is benign or damaging. Based on the available information, we are unable to determine the clinical significance of this variant.

Ambry Genetics
Classification: Likely benign for Hereditary cancer-predisposing syndrome. Last evaluated: 2025-01-20. Review status: criteria provided, single submitter. Criteria: Ambry Variant Classification Scheme 2023. Collection method: clinical testing. Allele origin: germline.

Women's Health and Genetics/Laboratory Corporation of America, LabCorp
Classification: Uncertain significance. Last evaluated: 2024-02-02. Review status: criteria provided, single submitter. Criteria: LabCorp Variant Classification Summary - May 2015. Collection method: clinical testing. Allele origin: germline.
Comment: Variant summary: BRCA2 c.107C>T (p.Ser36Phe) results in a non-conservative amino acid change in the encoded protein sequence. Three of five in-silico tools predict a damaging effect of the variant on protein function. The variant allele was found at a frequency of 1.1e-05 in 276100 control chromosomes. The available data on variant occurrences in the general population are insufficient to allow any conclusion about variant significance. c.107C>T has been reported in the literature in at least one individual affected with papillary renal carcinoma (e.g. Huang_2018). This report does not provide unequivocal conclusions about association of the variant with Hereditary Breast And Ovarian Cancer Syndrome. One mini-gene assay showed that this variant moderately affects the splicing (e.g. Tubeuf_2020). The following publications have been ascertained in the context of this evaluation (PMID: 29625052, 30287823, 32641407). ClinVar contains an entry for this variant (Variation ID: 182238). Based on the evidence outlined above, the variant was classified as uncertain significance.

All of Us Research Program, National Institutes of Health
Classification: Uncertain significance for Breast-ovarian cancer, familial, susceptibility to, 2. Last evaluated: 2023-11-30. Review status: criteria provided, single submitter. Criteria: ACMG Guidelines, 2015. Collection method: clinical testing. Allele origin: germline. Inheritance: Autosomal dominant inheritance. Observed: 1 variant allele, 1 heterozygote.
Comment: This missense variant replaces serine with phenylalanine at codon 36 of the BRCA2 protein. Computational prediction suggests that this variant may not impact protein structure and function (internally defined REVEL score threshold <= 0.5, PMID: 27666373). To our knowledge, functional studies have not been reported for this variant. This variant has been reported in 1 individual affected with papillary renal cell carcinoma and in at least 1 unaffected individual (PMID: 29625052, 30287823, 31214711, 32980694). This variant has been identified in 2/251120 chromosomes in the general population by the Genome Aggregation Database (gnomAD). The available evidence is insufficient to determine the role of this variant in disease conclusively. Therefore, this variant is classified as a Variant of Uncertain Significance.

This study involves interpretation of variants in research participants for the purpose of population health screening. Participant phenotype was not available at the time of variant classification. Additional details can be found in publication PMID: 35346344, PMCID: PMC8962531

Baylor Genetics
Classification: Uncertain significance for Familial cancer of breast. Last evaluated: 2023-08-05. Review status: criteria provided, single submitter. Criteria: ACMG Guidelines, 2015. Collection method: clinical testing. Allele origin: unknown.

Color Diagnostics, LLC DBA Color Health
Classification: Uncertain significance for Hereditary cancer-predisposing syndrome. Last evaluated: 2022-05-10. Review status: criteria provided, single submitter. Criteria: ACMG Guidelines, 2015. Collection method: clinical testing. Allele origin: germline.
Comment: This missense variant replaces serine with phenylalanine at codon 36 of the BRCA2 protein. Computational prediction suggests that this variant may not impact protein structure and function (internally defined REVEL score threshold <= 0.5, PMID: 27666373). To our knowledge, functional studies have not been reported for this variant. This variant has been reported in 1 individual affected with papillary renal cell carcinoma and in at least 1 unaffected individual (PMID: 29625052, 30287823, 31214711, 32980694). This variant has been identified in 2/251120 chromosomes in the general population by the Genome Aggregation Database (gnomAD). The available evidence is insufficient to determine the role of this variant in disease conclusively. Therefore, this variant is classified as a Variant of Uncertain Significance.

GeneDx
Classification: Uncertain significance. Last evaluated: 2016-08-01. Review status: criteria provided, single submitter. Criteria: GeneDx Variant Classification (06012015). Collection method: clinical testing. Allele origin: germline. Affected: yes.
Comment: This variant is denoted BRCA2 c.107C>T at the cDNA level, p.Ser36Phe (S36F) at the protein level, and results in the change of a Serine to a Phenylalanine (TCT>TTT). Using alternate nomenclature, this variant would be defined as BRCA2 335C>T. This variant has not, to our knowledge, been published in the literature as pathogenic or benign. BRCA2 Ser36Phe was not observed in approximately 6,500 individuals of European and African American ancestry in the NHLBI Exome Sequencing Project, suggesting it is not a common benign variant in these populations. Since Serine and Phenylalanine differ in polarity, charge, size or other properties, this is considered a non-conservative amino acid substitution. BRCA2 Ser36Phe occurs at a position where amino acids with properties similar to Serine are tolerated across species and is located within the PALB2 binding domain (Roy 2012). In silico analyses are inconsistent regarding the effect this variant may have on protein structure and function. Based on currently available evidence, it is unclear whether BRCA2 Ser36Phe is a pathogenic or benign variant. We consider it to be a variant of uncertain significance.

Literature cited by the submitters: PubMed 29625052 (cited by 5 submitters); PubMed 32641407 (cited by 3 submitters); PubMed 30287823 (cited by 5 submitters); PubMed 31214711 (cited by 4 submitters); PubMed 33020649 (cited by Quest Diagnostics Nichols Institute San Juan Capistrano); PubMed 29558370 (cited by Ambry Genetics); PubMed 32980694 (cited by All of Us Research Program, National Institutes of Health and Color Diagnostics, LLC DBA Color Health).